The following is an entry in ClinVar:

NM_007118.4(TRIO):c.1179C>G (p.Asn393Lys)

Gene: TRIO (trio Rho guanine nucleotide exchange factor; plus strand). Cytogenetic location: 5p15.2.
Variant type: single nucleotide variant.
Coding change: c.1179C>G on transcript NM_007118.4 (MANE Select); coding-DNA position 1179, C replaced by G.
Protein change: p.Asn393Lys; replaces asparagine 393 with lysine.
Molecular consequence: missense variant. On other transcripts: non-coding transcript variant (1).
Genome position (GRCh38, 1-based): chr5:14,297,074, C>G. VCF-style: chr5-14297074-C-G. GRCh37 (hg19) VCF-style: chr5-14297183-C-G.
Other names: NC_000005.9:g.14297183C>G; short protein forms N393K.
Identifiers: ClinVar variation 1810717 (VCV001810717.2), dbSNP rs56035446, ClinGen allele CA359215762.

ClinVar aggregate classification (germline): Uncertain significance (1 of 4 stars; one submission).

Submissions (2):

GeneDx
Classification: Uncertain significance. Last evaluated: 2022-07-07. Review status: criteria provided, single submitter. Criteria: GeneDx Variant Classification Process June 2021. Collection method: clinical testing. Allele origin: germline. Affected: yes.
Comment: Not observed at significant frequency in large population cohorts (gnomAD); In silico analysis supports a deleterious effect on splicing; In silico analysis supports that this missense variant has a deleterious effect on protein structure/function; Has not been previously published as pathogenic or benign to our knowledge

Dr. Peter K. Rogan Lab, Western University
No classification provided (evidence only). Condition: Thyroid cancer, nonmedullary, 1. Review status: no classification provided. Collection method: in vitro. Allele origin: not applicable. Functional consequence: retained intron. Not counted in ClinVar's aggregate classification.